The following is an entry in ClinVar:

NC_000009.11:g.(?_119449580)_(119463580_?)del

Genes: TRIM32 (tripartite motif containing 32; plus strand), ASTN2 (astrotactin 2; minus strand). Cytogenetic location: 9q33.1.
Variant type: Deletion.
Identifiers: ClinVar variation 1878371 (VCV001878371.1).

ClinVar aggregate classification (germline): Pathogenic (1 of 4 stars; one submission).

Conditions:
Autosomal recessive limb-girdle muscular dystrophy. Identifiers: Orphanet 102015, MedGen C2931907, MONDO:0015152.

Submission:

Women's Health and Genetics/Laboratory Corporation of America, LabCorp
Classification: Pathogenic for Autosomal recessive limb-girdle muscular dystrophy. Last evaluated: 2022-12-22. Review status: criteria provided, single submitter. Criteria: LabCorp Variant Classification Summary - May 2015. Collection method: clinical testing. Allele origin: germline.
Comment: Variant summary: The variant identified by MLPA or other technology involves the deletion of exons 1 and 2 (i.e. the full coding sequence) of the TRIM32 gene. A presumed nomenclature of c.(?_-162)_(*1597_?)del has been designated for the purposes of this classification. Since exact breakpoints of this deletion are not known, it might extend beyond the assayed region of the gene, affecting other genes. A similar deletion that includes the TRIM32 gene, and extends upstream about 27 kbp was found at a frequency of 4.6e-05 (i.e. 1 allele) in 21590 control chromosomes (gnomAD structural variants dataset). Full deletion of the TRIM32 gene has been reported in the literature in individuals affected with Limb-Girdle Muscular Dystrophy, Autosomal Recessive (examples: Neri_2013, Nectoux_2015). One clinical diagnostic laboratory has submitted clinical-significance assessments for this variant to ClinVar after 2014 and classified the variant as pathogenic. Based on the evidence outlined above, the variant was classified as pathogenic.

Literature cited by the submitters: PubMed 25351777; PubMed 23541687.